The following is an entry in ClinVar:

ClinVar aggregate classification (germline): Conflicting classifications of pathogenicity. Review status: criteria provided, conflicting classifications (1 of 4 stars). 2 submissions from 2 submitters: Pathogenic (1); Uncertain significance (1). Last evaluated 2023-09-29.

Conditions:
Severe early-childhood-onset retinal dystrophy (STGD1). Also called: Stargardt macular dystrophy; Juvenile onset macular degeneration; Stargardt disease 1; MACULAR DYSTROPHY WITH FLECKS, TYPE 1; STGD. Identifiers: Orphanet 364055, Orphanet 827, MedGen C1855465, MeSH D000080362, MONDO:0009549, OMIM 248200.

Allele frequency attached by ClinVar (database versions not stated): gnomAD exomes below 0.00001.
gnomAD v4.1: 1 of 1,614,220 alleles (0.000062%); highest among the groups gnomAD compares: Non-Finnish European, 0.000085%; no homozygotes.

Submissions (2):

Labcorp Genetics (formerly Invitae), Labcorp
Classification: Pathogenic. Last evaluated: 2023-09-29. Review status: criteria provided, single submitter. Criteria: Invitae Variant Classification Sherloc (09022015). Collection method: clinical testing. Allele origin: germline.
Comment: For these reasons, this variant has been classified as Pathogenic. Advanced modeling of protein sequence and biophysical properties (such as structural, functional, and spatial information, amino acid conservation, physicochemical variation, residue mobility, and thermodynamic stability) performed at Invitae indicates that this missense variant is expected to disrupt ABCA4 protein function. This sequence change replaces leucine, which is neutral and non-polar, with proline, which is neutral and non-polar, at codon 702 of the ABCA4 protein (p.Leu702Pro). This variant is not present in population databases (gnomAD no frequency). This missense change has been observed in individual(s) with Stargardt disease (Invitae). In at least one individual the data is consistent with being in trans (on the opposite chromosome) from a pathogenic variant. ClinVar contains an entry for this variant (Variation ID: 1709450).

MGZ Medical Genetics Center
Classification: Uncertain significance for Severe early-childhood-onset retinal dystrophy. Last evaluated: 2022-04-29. Review status: criteria provided, single submitter. Criteria: ACMG Guidelines, 2015. Collection method: clinical testing. Allele origin: germline. Affected: yes. Observed: 1 variant allele.
Comment: ACMG criteria applied: PM3, PS4_SUP, PM2_SUP, PP3

NM_000350.3(ABCA4):c.2105T>C (p.Leu702Pro)

Gene: ABCA4 (ATP binding cassette subfamily A member 4; minus strand). Cytogenetic location: 1p22.1.
Variant type: single nucleotide variant.
Coding change: c.2105T>C on transcript NM_000350.3 (MANE Select); coding-DNA position 2105, T replaced by C.
Protein change: p.Leu702Pro; replaces leucine 702 with proline.
Molecular consequence: missense variant.
Genome position (GRCh38, 1-based): chr1:94,060,592, A>G on the plus strand (T>C on the coding strand, the complement: ABCA4 is on the minus strand). VCF-style: chr1-94060592-A-G. GRCh37 (hg19) VCF-style: chr1-94526148-A-G.
Other names: c.2105T>C, p.Leu702Pro (NM_001425324.1); short protein forms L702P.
Identifiers: ClinVar variation 1709450 (VCV001709450.7), dbSNP rs2523832449, ClinGen allele CA341278530.
Genomic context (GRCh38, chr1:94,060,592, plus strand): 5'-CTTACCATGATGAATATCGTCAGGAGGAAGATGCTCATCGACATGATGGAGAAGCTGTCC[A>G]GGAACCAGGTACACCAAATCACTGCATTGGAGACACCCTGATTTTTCAAGGTCTCCTTCA-3'
Protein context (NP_000341.2, residues 692-712): SNAVIWCTWF[Leu702Pro]DSFSIMSMSI